The following is an entry in ClinVar:

NM_001349884.2(DRAM2):c.731T>G (p.Leu244Ter)

Gene: DRAM2 (DNA damage regulated autophagy modulator 2; minus strand). Cytogenetic location: 1p13.3.
Variant type: single nucleotide variant.
Coding change: c.731T>G on transcript NM_001349884.2 (MANE Select); coding-DNA position 731, T replaced by G.
Protein change: p.Leu244Ter; replaces leucine 244 with a stop codon.
Molecular consequence: nonsense. On other transcripts: non-coding transcript variant (8).
Genome position (GRCh38, 1-based): chr1:111,118,230, A>C on the plus strand (T>G on the coding strand, the complement: DRAM2 is on the minus strand). VCF-style: chr1-111118230-A-C. GRCh37 (hg19) VCF-style: chr1-111660852-A-C.
Other names: c.731T>G, p.Leu244Ter (NM_001349881.2, NM_001349882.2, NM_001349885.2 and 1 more transcripts); c.461T>G, p.Leu154Ter (NM_001349886.2, NM_001349887.2, NM_001349888.2); c.341T>G, p.Leu114Ter (NM_001349889.2, NM_001349890.2, NM_001349891.2 and 2 more transcripts); short protein forms L114*, L154*, L244*.
Identifiers: ClinVar variation 1486555 (VCV001486555.8), dbSNP rs2101000962, ClinGen allele CA341817970.
Genomic context (GRCh38, chr1:111,118,230, plus strand): 5'-CTGGAAAGTAGCCGTGTTCGTTCATTGTTAATAGGGCAAGGTGCAGTGTCATAGAGGGTT[A>C]ATCCATGTAAATTGGCTTCCACCCGTAAAGAAATTTTCTGGAACAGAAAAGAAAATTATA-3'

ClinVar aggregate classification (germline): Pathogenic (1 of 4 stars; one submission).

Submission:

Labcorp Genetics (formerly Invitae), Labcorp
Classification: Pathogenic. Last evaluated: 2025-01-15. Review status: criteria provided, single submitter. Criteria: Invitae Variant Classification Sherloc (09022015). Collection method: clinical testing. Allele origin: germline.
Comment: This sequence change creates a premature translational stop signal (p.Leu244*) in the DRAM2 gene. While this is not anticipated to result in nonsense mediated decay, it is expected to disrupt the last 23 amino acid(s) of the DRAM2 protein. This variant is not present in population databases (gnomAD no frequency). This premature translational stop signal has been observed in individual(s) with inherited retinal dystrophy (internal data). ClinVar contains an entry for this variant (Variation ID: 1486555). Experimental studies and prediction algorithms are not available or were not evaluated, and the functional significance of this variant is currently unknown. This variant disrupts a region of the DRAM2 protein in which other variant(s) (p.Leu246Pro) have been determined to be pathogenic (PMID: 32483926, 35806404; internal data). This suggests that this is a clinically significant region of the protein, and that variants that disrupt it are likely to be disease-causing. For these reasons, this variant has been classified as Pathogenic.

Literature cited by the submitters: PubMed 32483926; PubMed 35806404.